The following is an entry in ClinVar:

NM_001079866.2(BCS1L):c.-50+405A>G

Gene: BCS1L (BCS1 ubiquinol-cytochrome c reductase complex chaperone; plus strand). Cytogenetic location: 2q35.
Variant type: single nucleotide variant.
Coding change: c.-50+405A>G on transcript NM_001079866.2 (MANE Select); 405 bases into the intron after 50 bases upstream of the start codon, A replaced by G.
Molecular consequence: intron variant. On other transcripts: 5 prime UTR variant (13), non-coding transcript variant (1).
Genome position (GRCh38, 1-based): chr2:218,660,148, A>G. VCF-style: chr2-218660148-A-G. GRCh37 (hg19) VCF-style: chr2-219524871-A-G.
Other names: c.-68A>G (NM_001257342.2); c.-120A>G (NM_001257343.2); c.-323A>G (NM_001371444.1, NM_001371450.1); c.-650A>G (NM_001371446.1); c.-235A>G (NM_001371449.1); c.-641A>G (NM_001371451.1); c.-1316A>G (NM_001371453.1, NM_001374086.1); c.-799A>G (NM_001371454.1); and 9 more.
Identifiers: ClinVar variation 553134 (VCV000553134.11), dbSNP rs898301590, ClinGen allele CA65807785.
Genomic context (GRCh38, chr2:218,660,148, plus strand): 5'-GATTTTCATTTGGGGAGAATGAGGGAGAAAAGAACGGGCATTCCGAGCCAAGAGCACTGC[A>G]TGAGCAAGGAGTTGGGAGGTTGCTTACTTGTTGAACATATTTGTTGCGTATTTGCATATT-3'

ClinVar aggregate classification (germline): Pathogenic/Likely pathogenic. Review status: criteria provided, multiple submitters, no conflicts (2 of 4 stars). 7 submissions from 7 submitters: Pathogenic (1); Likely pathogenic (4). 2 of the submissions do not count toward it. Last evaluated 2026-01-30.

Conditions:
GRACILE syndrome (FLNMS). Also called: FELLMAN SYNDROME; FINNISH LETHAL NEONATAL METABOLIC SYNDROME. Identifiers: Orphanet 53693, MedGen C1864002, MONDO:0011308, OMIM 603358.
BCS1L-related disorder. Also called: BCS1L-related disorders; BCS1L-related condition. Identifiers: MedGen CN239240.
Mitochondrial complex III deficiency nuclear type 1. Identifiers: Orphanet 254902, MedGen C3541471, MONDO:0007415, OMIM 124000.

Allele frequency attached by ClinVar (database versions not stated): gnomAD 0.00002; TOPMed 0.00003.
gnomAD v4.1: 3 of 152,284 alleles (0.002%); highest among the groups gnomAD compares: Admixed American, 0.013%; no homozygotes.

Submissions (7):

Dasa
Classification: Likely pathogenic. Last evaluated: 2026-01-30. Review status: criteria provided, single submitter. Criteria: DASA Assertion Criteria. Collection method: clinical testing. Allele origin: germline.
Comment: NM_001257342.2(BCS1L):c.-68A>G is an intronic variant. This variant has been reported in individuals with BCS1L-related disorders (PMID: 19389488). Functional evidence supports an impact on the gene or gene product (PMID: 19389488). Also, this variant is rare in population databases. Computational evidence supports a deleterious effect. Based on the currently available evidence, this variant is classified as likely pathogenic.

Natera, Inc.
Classification: Likely pathogenic for GRACILE syndrome. Last evaluated: 2025-07-29. Review status: criteria provided, single submitter. Criteria: Natera Variant Classification Schema (03/2026). Collection method: clinical testing. Allele origin: germline.
Comment: The c.-147A>G variant in BCS1L is a 5' untranslated region (UTR) variant located upstream of the translation start codon. This variant is rare in the general population with a frequency below the threshold expected for the associated phenotype(s). This variant has been observed in one or more individuals affected with the associated recessive disease, as either homozygous or compound heterozygous with a second variant (PMID: 31683770, 28128857, 28496993). Functional studies show that this variant may disrupt protein function (PMID: 19389488). Given the available evidence, this variant is classified as Likely Pathogenic.

Myriad Genetics, Inc.
Classification: Likely pathogenic for BCS1L-related disorder. Last evaluated: 2025-04-03. Review status: criteria provided, single submitter. Criteria: Myriad Autosomal Dominant, Autosomal Recessive and X-Linked Classification Criteria (2023). Collection method: clinical testing. Allele origin: unknown.
Comment: NM_004328.4(BCS1L):c.-147A>G is a 5' non-coding variant classified as likely pathogenic in the context of BCS1L-related disorders. c.-147A>G has been observed in cases with relevant disease (PMID: 28496993, 28128857, 31683770, 38465286, 19389488, 34662929, Restrepo_2024_(Abstract)). Relevant functional assessments of this variant are available in the literature (PMID: 19389488). c.-147A>G has not been observed in referenced population frequency databases. In summary, NM_004328.4(BCS1L):c.-147A>G is a 5' non-coding variant that has been observed more frequently in cases with the relevant disease than in healthy populations. Please note: this variant was assessed in the context of healthy population screening.

Mendelics
Classification: Likely pathogenic for GRACILE syndrome. Last evaluated: 2019-05-28. Review status: criteria provided, single submitter. Criteria: Mendelics Assertion Criteria 2017. Collection method: clinical testing. Allele origin: unknown.

Baylor Genetics
Classification: Pathogenic for Mitochondrial complex III deficiency nuclear type 1. Last evaluated: 2018-04-10. Review status: criteria provided, single submitter. Criteria: ACMG Guidelines, 2015. Collection method: clinical testing. Allele origin: paternal. Affected: yes.
Comment: This variant was determined to be pathogenic according to ACMG Guidelines, 2015 [PMID:25741868].

Counsyl
Classification: Uncertain significance for GRACILE syndrome. Last evaluated: 2017-07-28. Review status: no assertion criteria provided. Collection method: clinical testing. Allele origin: unknown. Not counted in ClinVar's aggregate classification.

Labcorp Genetics (formerly Invitae), Labcorp
Classification: Uncertain significance. Last evaluated: 2022-06-07. Review status: flagged submission. Criteria: Invitae Variant Classification Sherloc (09022015). Collection method: clinical testing. Allele origin: germline. Not counted in ClinVar's aggregate classification.
Comment: This variant occurs in a non-coding region of the BCS1L gene. It does not change the encoded amino acid sequence of the BCS1L protein. This variant is not present in population databases (gnomAD no frequency). This variant has been observed in individual(s) with mitochondrial complex III deficiency (PMID: 19389488, 28128857, 28496993). ClinVar contains an entry for this variant (Variation ID: 553134). Studies have shown that this variant alters BCS1L gene expression (PMID: 19389488). Algorithms developed to predict the effect of sequence changes on RNA splicing suggest that this variant may create or strengthen a splice site. In summary, the available evidence is currently insufficient to determine the role of this variant in disease. Therefore, it has been classified as a Variant of Uncertain Significance.
ClinVar note: Reason: Older claim that does not account for recent evidence

Literature cited by the submitters: PubMed 19389488 (cited by 5 submitters); PubMed 28128857 (cited by 3 submitters); PubMed 28496993 (cited by 4 submitters); PubMed 31683770 (cited by Natera, Inc.).